The following is an entry in ClinVar:

ClinVar aggregate classification (germline): Uncertain significance (1 of 4 stars; one submission).

Conditions:
Dyskeratosis congenita, autosomal dominant 2. Identifiers: MedGen C3151443, MONDO:0013521, OMIM 613989.
Idiopathic Pulmonary Fibrosis. Also called: Idiopathic fibrosing alveolitis, chronic form; idiopathic fibrosing alveolitis. Identifiers: Orphanet 2032, MedGen C1800706, MeSH D054990, MONDO:0800504.

Submission:

Labcorp Genetics (formerly Invitae), Labcorp
Classification: Uncertain significance for Dyskeratosis congenita, autosomal dominant 2; Idiopathic Pulmonary Fibrosis. Last evaluated: 2024-12-23. Review status: criteria provided, single submitter. Criteria: Invitae Variant Classification Sherloc (09022015). Collection method: clinical testing. Allele origin: germline.
Comment: This sequence change replaces alanine, which is neutral and non-polar, with serine, which is neutral and polar, at codon 1062 of the TERT protein (p.Ala1062Ser). This variant is not present in population databases (gnomAD no frequency). This variant has not been reported in the literature in individuals affected with TERT-related conditions. ClinVar contains an entry for this variant (Variation ID: 1017237). Invitae Evidence Modeling of protein sequence and biophysical properties (such as structural, functional, and spatial information, amino acid conservation, physicochemical variation, residue mobility, and thermodynamic stability) indicates that this missense variant is not expected to disrupt TERT protein function with a negative predictive value of 95%. In summary, the available evidence is currently insufficient to determine the role of this variant in disease. Therefore, it has been classified as a Variant of Uncertain Significance.

NM_198253.3(TERT):c.3184G>T (p.Ala1062Ser)

Gene: TERT (telomerase reverse transcriptase; minus strand). Cytogenetic location: 5p15.33.
Variant type: single nucleotide variant.
Coding change: c.3184G>T on transcript NM_198253.3 (MANE Select); coding-DNA position 3184, G replaced by T.
Protein change: p.Ala1062Ser; replaces alanine 1062 with serine.
Molecular consequence: missense variant. On other transcripts: non-coding transcript variant (2).
Genome position (GRCh38, 1-based): chr5:1,254,479, C>A on the plus strand (G>T on the coding strand, the complement: TERT is on the minus strand). VCF-style: chr5-1254479-C-A. GRCh37 (hg19) VCF-style: chr5-1254594-C-A.
Other names: c.2995G>T, p.Ala999Ser (NM_001193376.3); short protein forms A1062S, A999S.
Identifiers: ClinVar variation 1017237 (VCV001017237.8), dbSNP rs35719940, ClinGen allele CA359067486.